The following is an entry in ClinVar:

ClinVar aggregate classification (germline): Pathogenic. Review status: criteria provided, multiple submitters, no conflicts (2 of 4 stars). 3 submissions from 3 submitters: Pathogenic (3). Last evaluated 2024-09-09.

Conditions:
Familial cancer of breast. Also called: BREAST CANCER, FAMILIAL; Hereditary breast cancer; hereditary breast carcinoma. Identifiers: Orphanet 227535, MedGen C0346153, MONDO:0016419, OMIM 114480. Disease mechanism: loss of function.
Hereditary cancer-predisposing syndrome. Also called: Neoplastic Syndromes, Hereditary; Tumor predisposition; Hereditary Cancer Syndrome; Hereditary neoplastic syndrome. Identifiers: Orphanet 140162, MedGen C0027672, MeSH D009386, MONDO:0015356.

Submissions (3):

Labcorp Genetics (formerly Invitae), Labcorp
Classification: Pathogenic for Familial cancer of breast. Last evaluated: 2024-09-09. Review status: criteria provided, single submitter. Criteria: Invitae Variant Classification Sherloc (09022015). Collection method: clinical testing. Allele origin: germline.
Comment: This sequence change creates a premature translational stop signal (p.Val604*) in the BARD1 gene. It is expected to result in an absent or disrupted protein product. Loss-of-function variants in BARD1 are known to be pathogenic (PMID: 20077502, 21344236). This variant is not present in population databases (gnomAD no frequency). This variant has not been reported in the literature in individuals affected with BARD1-related conditions. ClinVar contains an entry for this variant (Variation ID: 482809). For these reasons, this variant has been classified as Pathogenic.

Ambry Genetics
Classification: Pathogenic for Hereditary cancer-predisposing syndrome. Last evaluated: 2024-08-20. Review status: criteria provided, single submitter. Criteria: Ambry Variant Classification Scheme 2023. Collection method: clinical testing. Allele origin: germline.
Comment: The c.1809delA pathogenic mutation, located in coding exon 8 of the BARD1 gene, results from a deletion of one nucleotide at nucleotide position 1809, causing a translational frameshift with a predicted alternate stop codon (p.V604*). This alteration is expected to result in loss of function by premature protein truncation or nonsense-mediated mRNA decay. As such, this alteration is interpreted as a disease-causing mutation.

Myriad Genetics, Inc.
Classification: Pathogenic for Familial cancer of breast. Last evaluated: 2023-05-24. Review status: criteria provided, single submitter. Criteria: Myriad Autosomal Dominant, Autosomal Recessive and X-Linked Classification Criteria (2023). Collection method: clinical testing. Allele origin: unknown.
Comment: This variant is considered pathogenic. This variant creates a termination codon and is predicted to result in premature protein truncation.

Literature cited by the submitters: PubMed 20077502 (cited by Labcorp Genetics (formerly Invitae), Labcorp); PubMed 21344236 (cited by Labcorp Genetics (formerly Invitae), Labcorp).

NM_000465.4(BARD1):c.1809del (p.Thr603_Val604insTer)

Gene: BARD1 (BRCA1 associated RING domain 1; minus strand). Cytogenetic location: 2q35.
Variant type: Deletion.
Coding change: c.1809del on transcript NM_000465.4 (MANE Select); coding-DNA position 1809, one base deleted (A; older notation c.1809delA).
Protein change: p.Thr603_Val604insTer.
Molecular consequence: frameshift variant. On other transcripts: non-coding transcript variant (3), intron variant (1).
Genome position (GRCh38, 1-based): chr2:214,745,723, T deleted on the plus strand (A on the coding strand, the reverse complement: BARD1 is on the minus strand). VCF-style (leftmost placement, unchanged base first): chr2-214745722-CT-C. GRCh37 (hg19) VCF-style: chr2-215610446-CT-C.
Other names: c.365-15215del (NM_001282549.2); c.1752del, p.Thr584_Val585insTer (NM_001282543.2); c.456del, p.Thr152_Val153insTer (NM_001282545.2); c.399del, p.Thr133_Val134insTer (NM_001282548.2).
Identifiers: ClinVar variation 482809 (VCV000482809.17), dbSNP rs1553615092, ClinGen allele CA658657222.
Genomic context (GRCh38, chr2:214,745,722, plus strand): 5'-CAAAAGGATCATCTATTTAACATTTTTTCTACCCCACCTCCCAAAATTCAAAATCCTCAC[CT>C]GTACTGTCAAACTCAGTATATTTTTTAGCCTTAAGAATTACTGCAAGCTCACTGAGCATT-3'